The following is an entry in ClinVar:

NM_015909.4(NBAS):c.4370A>G (p.Tyr1457Cys)

Gene: NBAS (NBAS subunit of NRZ tethering complex; minus strand). Cytogenetic location: 2p24.3.
Variant type: single nucleotide variant.
Coding change: c.4370A>G on transcript NM_015909.4 (MANE Select); coding-DNA position 4370, A replaced by G.
Protein change: p.Tyr1457Cys; replaces tyrosine 1457 with cysteine.
Molecular consequence: missense variant. On other transcripts: non-coding transcript variant (1).
Genome position (GRCh38, 1-based): chr2:15,328,290, T>C on the plus strand (A>G on the coding strand, the complement: NBAS is on the minus strand). VCF-style: chr2-15328290-T-C. GRCh37 (hg19) VCF-style: chr2-15468414-T-C.
Other names: c.4370A>G (NM_015909.2); short protein forms Y1457C.
Identifiers: ClinVar variation 2006217 (VCV002006217.4), dbSNP rs1213568885, ClinGen allele CA345895963.

ClinVar aggregate classification (germline): Uncertain significance. Review status: criteria provided, multiple submitters, no conflicts (2 of 4 stars). 2 submissions from 2 submitters: Uncertain significance (2). Last evaluated 2025-08-12.

Conditions:
Inborn genetic diseases. Identifiers: MedGen C0950123, MeSH D030342.

Allele frequency attached by ClinVar (database versions not stated): TOPMed below 0.00001; gnomAD 0.00001; gnomAD exomes 0.00001.
gnomAD v4.1: 4 of 1,613,658 alleles (0.00025%); highest among the groups gnomAD compares: Non-Finnish European, 0.00034%; no homozygotes.

Submissions (2):

Ambry Genetics
Classification: Uncertain significance for Inborn genetic diseases. Last evaluated: 2025-08-12. Review status: criteria provided, single submitter. Criteria: Ambry Variant Classification Scheme 2023. Collection method: clinical testing. Allele origin: germline.

Labcorp Genetics (formerly Invitae), Labcorp
Classification: Uncertain significance. Last evaluated: 2022-06-14. Review status: criteria provided, single submitter. Criteria: Invitae Variant Classification Sherloc (09022015). Collection method: clinical testing. Allele origin: germline.
Comment: This sequence change replaces tyrosine, which is neutral and polar, with cysteine, which is neutral and slightly polar, at codon 1457 of the NBAS protein (p.Tyr1457Cys). This variant is not present in population databases (gnomAD no frequency). This variant has not been reported in the literature in individuals affected with NBAS-related conditions. Algorithms developed to predict the effect of missense changes on protein structure and function are either unavailable or do not agree on the potential impact of this missense change (SIFT: "Deleterious"; PolyPhen-2: "Benign"; Align-GVGD: "Class C65"). In summary, the available evidence is currently insufficient to determine the role of this variant in disease. Therefore, it has been classified as a Variant of Uncertain Significance.